The following is an entry in ClinVar:

NM_001127178.3(PIGG):c.302C>G (p.Ala101Gly)

Gene: PIGG (phosphatidylinositol glycan anchor biosynthesis class G (EMM blood group); plus strand). Cytogenetic location: 4p16.3.
Variant type: single nucleotide variant.
Coding change: c.302C>G on transcript NM_001127178.3 (MANE Select); coding-DNA position 302, C replaced by G.
Protein change: p.Ala101Gly; replaces alanine 101 with glycine.
Molecular consequence: missense variant. On other transcripts: 5 prime UTR variant (5), non-coding transcript variant (10).
Genome position (GRCh38, 1-based): chr4:500,543, C>G. VCF-style: chr4-500543-C-G. GRCh37 (hg19) VCF-style: chr4-494332-C-G.
Other names: c.35C>G, p.Ala12Gly (NM_001289051.2, NM_001289053.2, NM_001289057.2 and 2 more transcripts); c.302C>G, p.Ala101Gly (NM_001289052.2, NM_001345989.2, NM_017733.5); c.-135C>G (NM_001289055.2); c.-586C>G (NM_001345988.2); c.-1324C>G (NM_001345990.2); c.-1186C>G (NM_001345991.2); c.-911C>G (NM_001345994.2); short protein forms A101G, A12G.
Identifiers: ClinVar variation 1023808 (VCV001023808.7), dbSNP rs1717288126, ClinGen allele CA355891587.

ClinVar aggregate classification (germline): Uncertain significance (1 of 4 stars; one submission).

Conditions:
Intellectual disability, autosomal recessive 53 (NEDHSCA). Also called: GLYCOSYLPHOSPHATIDYLINOSITOL BIOSYNTHESIS DEFECT 13; Mental retardation, autosomal recessive 53; NEURODEVELOPMENTAL DISORDER WITH OR WITHOUT HYPOTONIA, SEIZURES, AND CEREBELLAR ATROPHY. Identifiers: Orphanet 488635, MedGen C4310794, MONDO:0014832, OMIM 616917.

Submission:

Labcorp Genetics (formerly Invitae), Labcorp
Classification: Uncertain significance for Intellectual disability, autosomal recessive 53. Last evaluated: 2023-10-13. Review status: criteria provided, single submitter. Criteria: Invitae Variant Classification Sherloc (09022015). Collection method: clinical testing. Allele origin: germline.
Comment: This sequence change replaces alanine, which is neutral and non-polar, with glycine, which is neutral and non-polar, at codon 101 of the PIGG protein (p.Ala101Gly). This variant is not present in population databases (gnomAD no frequency). This variant has not been reported in the literature in individuals affected with PIGG-related conditions. ClinVar contains an entry for this variant (Variation ID: 1023808). Advanced modeling of protein sequence and biophysical properties (such as structural, functional, and spatial information, amino acid conservation, physicochemical variation, residue mobility, and thermodynamic stability) has been performed at Invitae for this missense variant, however the output from this modeling did not meet the statistical confidence thresholds required to predict the impact of this variant on PIGG protein function. In summary, the available evidence is currently insufficient to determine the role of this variant in disease. Therefore, it has been classified as a Variant of Uncertain Significance.